The following is an entry in ClinVar:

NM_004612.4(TGFBR1):c.572C>T (p.Ser191Leu)

Gene: TGFBR1 (transforming growth factor beta receptor 1; plus strand). Cytogenetic location: 9q22.33.
Variant type: single nucleotide variant.
Coding change: c.572C>T on transcript NM_004612.4 (MANE Select); coding-DNA position 572, C replaced by T.
Protein change: p.Ser191Leu; replaces serine 191 with leucine.
Molecular consequence: missense variant. On other transcripts: non-coding transcript variant (4), intron variant (3).
Genome position (GRCh38, 1-based): chr9:99,132,737, C>T. VCF-style: chr9-99132737-C-T. GRCh37 (hg19) VCF-style: chr9-101895019-C-T.
Other names: c.584C>T, p.Ser195Leu (NM_001306210.2, NM_001407416.1); c.572C>T, p.Ser191Leu (NM_001407417.1, NM_001407435.1); c.377C>T, p.Ser126Leu (NM_001407418.1, NM_001407419.1, NM_001407420.1 and 1 more transcripts); c.365C>T, p.Ser122Leu (NM_001407423.1, NM_001407424.1, NM_001407425.1 and 8 more transcripts); c.326C>T, p.Ser109Leu (NM_001407436.1); c.343+3637C>T (NM_001130916.3); c.98-5122C>T (NM_001407438.1); c.98-9799C>T (NM_001407437.1); short protein forms S122L, S126L, S195L, S191L, S109L.
Identifiers: ClinVar variation 2566476 (VCV002566476.2), dbSNP rs774583379, ClinGen allele CA042364.

ClinVar aggregate classification (germline): Uncertain significance (1 of 4 stars; one submission).

Conditions:
Familial thoracic aortic aneurysm and aortic dissection (TAAD). Also called: Thoracic aortic aneurysms and dissections. Identifiers: Orphanet 91387, MedGen C4707243, MONDO:0019625.

Allele frequency attached by ClinVar (database versions not stated): gnomAD exomes below 0.00001; ExAC 0.00001.
gnomAD v4.1: 1 of 1,614,074 alleles (0.000062%); highest among the groups gnomAD compares: Non-Finnish European, 0.000085%; no homozygotes.

Submission:

Ambry Genetics
Classification: Uncertain significance for Familial thoracic aortic aneurysm and aortic dissection. Last evaluated: 2023-03-18. Review status: criteria provided, single submitter. Criteria: Ambry Variant Classification Scheme 2023. Collection method: clinical testing. Allele origin: germline.
Comment: The p.S191L variant (also known as c.572C>T), located in coding exon 3 of the TGFBR1 gene, results from a C to T substitution at nucleotide position 572. The serine at codon 191 is replaced by leucine, an amino acid with dissimilar properties. This amino acid position is conserved. In addition, this alteration is predicted to be deleterious by in silico analysis. Since supporting evidence is limited at this time, the clinical significance of this alteration remains unclear.